The following is an entry in ClinVar:

ClinVar aggregate classification (germline): Benign. Review status: criteria provided, multiple submitters, no conflicts (2 of 4 stars). 2 submissions from 2 submitters: Benign (2). Last evaluated 2018-06-14.

Allele frequency attached by ClinVar (database versions not stated): gnomAD 0.07340 and 0.07851; 1000 Genomes Project 0.07523; gnomAD exomes 0.01051; 1000 Genomes Project 30x 0.07950; TOPMed 0.08345.
gnomAD v4.1: 13,317 of 566,784 alleles (2.3%); highest among the groups gnomAD compares: African/African-American, 25%; 1,070 homozygotes.

Submissions (2):

GeneDx
Classification: Benign. Last evaluated: 2018-06-14. Review status: criteria provided, single submitter. Criteria: GeneDx Variant Classification (06012015). Collection method: clinical testing. Allele origin: germline. Affected: yes.
Comment: This variant is considered likely benign or benign based on one or more of the following criteria: it is a conservative change, it occurs at a poorly conserved position in the protein, it is predicted to be benign by multiple in silico algorithms, and/or has population frequency not consistent with disease.

Breakthrough Genomics
Classification: Benign. Review status: criteria provided, single submitter. Criteria: ACMG Guidelines, 2015. Collection method: not provided. Allele origin: germline. Inheritance: X-linked inheritance. Affected: yes.

NM_002294.3(LAMP2):c.865-121C>T

Gene: LAMP2 (lysosomal associated membrane protein 2; minus strand). Cytogenetic location: Xq24.
Variant type: single nucleotide variant.
Coding change: c.865-121C>T on transcript NM_002294.3 (MANE Select); 121 bases into the intron before coding-DNA position 865, C replaced by T.
Molecular consequence: intron variant.
Genome position (GRCh38, 1-based): chrX:120,442,783, G>A on the plus strand (C>T on the coding strand, the complement: LAMP2 is on the minus strand). VCF-style: chrX-120442783-G-A. GRCh37 (hg19) VCF-style: chrX-119576638-G-A.
Other names: c.865-121C>T (NM_001122606.1, NM_013995.2).
Identifiers: ClinVar variation 675317 (VCV000675317.2), dbSNP rs58622214, ClinGen allele CA335013157.